The following is an entry in ClinVar:

NM_002693.3(POLG):c.3273+5C>T

Gene: POLG (DNA polymerase gamma, catalytic subunit; minus strand). Cytogenetic location: 15q26.1.
Variant type: single nucleotide variant.
Coding change: c.3273+5C>T on transcript NM_002693.3 (MANE Select); 5 bases into the intron after coding-DNA position 3273, C replaced by T.
Molecular consequence: intron variant.
Genome position (GRCh38, 1-based): chr15:89,318,926, G>A on the plus strand (C>T on the coding strand, the complement: POLG is on the minus strand). VCF-style: chr15-89318926-G-A. GRCh37 (hg19) VCF-style: chr15-89862157-G-A.
Other names: c.3273+5C>T (NM_001126131.2).
Identifiers: ClinVar variation 507851 (VCV000507851.3), dbSNP rs1555452510, ClinGen allele CA658798419.
Genomic context (GRCh38, chr15:89,318,926, plus strand): 5'-CACAGGGAGCTCTGCCCTGCCCTCCCTGGGGCCCCTCTGCCCATGCTCCAAAGGTAGCAA[G>A]ATACCTCTTCCTGGACAGCCGAGGGCTCCAGGGCTCGGCTGATGCAGCAGCCCAGCACCG-3'

ClinVar aggregate classification (germline): Conflicting classifications of pathogenicity. Review status: criteria provided, conflicting classifications (1 of 4 stars). 2 submissions from 2 submitters: Uncertain significance (1); Likely benign (1). Last evaluated 2024-04-06.

Conditions:
Progressive sclerosing poliodystrophy (MTDPS4A). Also called: Alpers-Huttenlocher Syndrome (AHS); ALPERS PROGRESSIVE INFANTILE POLIODYSTROPHY; Mitochondrial DNA Depletion Syndrome 4A; Mitochondrial DNA depletion syndrome 4A (Alpers type); NEURONAL DEGENERATION OF CHILDHOOD WITH LIVER DISEASE, PROGRESSIVE; Alpers Syndrome. Identifiers: Orphanet 726, MedGen C0205710, MONDO:0008758, OMIM 203700.

Allele frequency attached by ClinVar (database versions not stated): gnomAD exomes below 0.00001.
gnomAD v4.1: 3 of 1,614,102 alleles (0.00019%); highest among the groups gnomAD compares: Middle Eastern, 0.016%; no homozygotes.

Submissions (2):

Labcorp Genetics (formerly Invitae), Labcorp
Classification: Uncertain significance for Progressive sclerosing poliodystrophy. Last evaluated: 2024-04-06. Review status: criteria provided, single submitter. Criteria: Invitae Variant Classification Sherloc (09022015). Collection method: clinical testing. Allele origin: germline.
Comment: This sequence change falls in intron 20 of the POLG gene. It does not directly change the encoded amino acid sequence of the POLG protein. It affects a nucleotide within the consensus splice site. This variant is not present in population databases (gnomAD no frequency). This variant has not been reported in the literature in individuals affected with POLG-related conditions. ClinVar contains an entry for this variant (Variation ID: 507851). Variants that disrupt the consensus splice site are a relatively common cause of aberrant splicing (PMID: 17576681, 9536098). Algorithms developed to predict the effect of sequence changes on RNA splicing suggest that this variant is not likely to affect RNA splicing. In summary, the available evidence is currently insufficient to determine the role of this variant in disease. Therefore, it has been classified as a Variant of Uncertain Significance.

GeneDx
Classification: Likely benign. Last evaluated: 2017-03-07. Review status: criteria provided, single submitter. Criteria: GeneDx Variant Classification (06012015). Collection method: clinical testing. Allele origin: germline. Affected: yes.
Comment: This variant is considered likely benign or benign based on one or more of the following criteria: it is a conservative change, it occurs at a poorly conserved position in the protein, it is predicted to be benign by multiple in silico algorithms, and/or has population frequency not consistent with disease.

Literature cited by the submitters: PubMed 17576681 (cited by Labcorp Genetics (formerly Invitae), Labcorp); PubMed 9536098 (cited by Labcorp Genetics (formerly Invitae), Labcorp).